The following is an entry in ClinVar:

NM_003482.4(KMT2D):c.16053-1G>A

Gene: KMT2D (lysine methyltransferase 2D; minus strand). Cytogenetic location: 12q13.12.
Variant type: single nucleotide variant.
Coding change: c.16053-1G>A on transcript NM_003482.4 (MANE Select); the canonical splice acceptor site of the intron before coding-DNA position 16053, G replaced by A.
Molecular consequence: splice acceptor variant.
Genome position (GRCh38, 1-based): chr12:49,022,876, C>T on the plus strand (G>A on the coding strand, the complement: KMT2D is on the minus strand). VCF-style: chr12-49022876-C-T. GRCh37 (hg19) VCF-style: chr12-49416659-C-T.
Identifiers: ClinVar variation 4292736 (VCV004292736.1).

ClinVar aggregate classification (germline): Likely pathogenic (1 of 4 stars; one submission).

Conditions:
Kabuki syndrome 1 (KABUK1). Also called: KMT2D-Related Kabuki Syndrome. Identifiers: Orphanet 2322, MedGen CN030661, MONDO:0007843, OMIM 147920.

Submission:

3billion
Classification: Likely pathogenic for Kabuki syndrome 1. Last evaluated: 2024-12-31. Review status: criteria provided, single submitter. Criteria: ACMG Guidelines, 2015. Collection method: clinical testing. Allele origin: germline. Affected: yes.
Comment: The variant is not observed in the gnomAD v4.1.0 dataset. Predicted Consequence/Location: Canonical splice site: predicted to alter splicing and result in a loss or disruption of normal protein function. Multiple pathogenic loss-of-function variants are reported downstream of the variant. In silico tools predict the variant to alter splicing and produce an abnormal transcript [SpliceAI: 0.96 (spliceogenicity >=0.2, non-spliceogenicity <0.1)]. Therefore, this variant is classified as Likely pathogenic according to the recommendation of ACMG/AMP guideline.